The following is an entry in ClinVar:

ClinVar aggregate classification (germline): Pathogenic/Likely pathogenic. Review status: criteria provided, multiple submitters, no conflicts (2 of 4 stars). 4 submissions from 4 submitters: Pathogenic (1); Likely pathogenic (2). 1 of the submissions does not count toward it. Last evaluated 2026-03-25.
ClinVar aggregate classification (oncogenicity): Likely oncogenic (1 of 4 stars; one submission).

Conditions:
RIT1-related disorder. Also called: RIT1-related condition.
Noonan syndrome 8 (NS8). Identifiers: Orphanet 648, MedGen C3809233, MONDO:0014143, OMIM 615355.
Noonan syndrome (NS). Also called: Noonan's syndrome. Identifiers: Orphanet 648, MedGen C0028326, MeSH D009634, MONDO:0018997. Disease mechanism: gain of function.
Neoplasm. Also called: Neoplasms; Neoplasm (disease); tumor. Identifiers: MedGen C0027651, MeSH D009369, MONDO:0005070, HP:0002664.

Allele frequency attached by ClinVar (database versions not stated): gnomAD exomes below 0.00001.

Submissions (6):

GeneDx
Classification: Likely pathogenic. Last evaluated: 2026-03-25. Review status: criteria provided, single submitter. Criteria: GeneDx Variant Classification Process June 2021. Collection method: clinical testing. Allele origin: germline.
Comment: Not observed at significant frequency in large population cohorts (gnomAD); In silico analysis supports that this missense variant has a deleterious effect on protein structure/function; In silico analysis is inconclusive as to whether the variant alters gene splicing. In the absence of RNA/functional studies, the actual effect of this sequence change is unknown.; This variant is associated with the following publications: (PMID: 26757980)

Center for Genomic Medicine, Rigshospitalet, Copenhagen University Hospital
Classification: Likely oncogenic for Neoplasm. Last evaluated: 2025-03-04. Review status: criteria provided, single submitter. Criteria: ClinGen/CGC/VICC Guidelines for Oncogenicity, 2022. Collection method: clinical testing. Allele origin: somatic. Affected: yes.

Blueprint Genetics
Classification: Likely pathogenic for RIT1-related disorders. Last evaluated: 2023-05-30. Review status: criteria provided, single submitter. Criteria: ACMG Guidelines, 2015. Collection method: clinical testing. Allele origin: germline. Affected: yes. Observed: 5 variant alleles.

Imagene.me medical diagnostic laboratory, IMAGENE.ME SA
Classification: Pathogenic for Noonan syndrome 8. Review status: criteria provided, single submitter. Criteria: IMAGENE.ME Variant Classification SOP 2022. Collection method: clinical testing. Allele origin: de novo. Affected: yes.
Comment: Classified according to the IMAGENE.ME variant classification SOP based on the ACMG guidelines as Pathogenic (P): PS2_Moderate + PS4_Moderate + PM1 + PM2 + PM5_Supporting + PP3 + PP4

Dr. Peter K. Rogan Lab, Western University
No classification provided (evidence only). Condition: Melanoma. Review status: no classification provided. Collection method: in vitro. Allele origin: not applicable. Functional consequence: retained intron. Not counted in ClinVar's aggregate classification.

Service de Génétique Moléculaire, Hôpital Robert Debré
Classification: Pathogenic for Noonan's syndrome. Review status: no assertion criteria provided. Criteria: clinical testing. Collection method: clinical testing. Allele origin: unknown. Affected: yes. Observed: 1 variant allele. Not counted in ClinVar's aggregate classification.

NM_006912.6(RIT1):c.241G>C (p.Glu81Gln)

Gene: RIT1 (Ras like without CAAX 1; minus strand). Cytogenetic location: 1q22.
Variant type: single nucleotide variant.
Coding change: c.241G>C on transcript NM_006912.6 (MANE Select); coding-DNA position 241, G replaced by C.
Protein change: p.Glu81Gln; replaces glutamic acid 81 with glutamine.
Molecular consequence: missense variant.
Genome position (GRCh38, 1-based): chr1:155,904,499, C>G on the plus strand (G>C on the coding strand, the complement: RIT1 is on the minus strand). VCF-style: chr1-155904499-C-G. GRCh37 (hg19) VCF-style: chr1-155874290-C-G.
Other names: NC_000001.10:g.155874290C>G; c.241G>C, p.Glu81Gln (LRG_1372t1); c.133G>C, p.Glu45Gln (NM_001256820.2); c.292G>C, p.Glu98Gln (NM_001256821.2); short protein forms E81Q, E45Q, E98Q.
Identifiers: ClinVar variation 183404 (VCV000183404.8), dbSNP rs869025192, ClinGen allele CA353878.